The following is an entry in ClinVar:

ClinVar aggregate classification (germline): Likely benign (1 of 4 stars; one submission).

gnomAD v4.1: 2 of 1,594,644 alleles (0.00013%); highest among the groups gnomAD compares: Admixed American, 0.0017%; no homozygotes.

Submission:

Women's Health and Genetics/Laboratory Corporation of America, LabCorp
Classification: Likely benign. Last evaluated: 2025-12-12. Review status: criteria provided, single submitter. Criteria: LabCorp Variant Classification Summary - May 2015. Collection method: clinical testing. Allele origin: germline.
Comment: Variant summary: SCN4B c.594-10C>T alters a conserved nucleotide located at a position not widely known to affect splicing. Consensus agreement among computation tools predict no significant impact on normal splicing. However, these predictions have yet to be confirmed by functional studies. The variant was absent in 250992 control chromosomes. The available data on variant occurrences in the general population are insufficient to allow any conclusion about variant significance. To our knowledge, no occurrence of c.594-10C>T in individuals affected with SCN4B-related conditions and no experimental evidence demonstrating its impact on protein function have been reported. No submitters have cited clinical-significance assessments for this variant to ClinVar. Based on the evidence outlined above, the variant was classified as likely benign.

NM_174934.4(SCN4B):c.594-10C>T

Gene: SCN4B (sodium voltage-gated channel beta subunit 4; minus strand). Cytogenetic location: 11q23.3.
Variant type: single nucleotide variant.
Coding change: c.594-10C>T on transcript NM_174934.4 (MANE Select); 10 bases into the intron before coding-DNA position 594, C replaced by T.
Molecular consequence: intron variant.
Genome position (GRCh38, 1-based): chr11:118,137,130, G>A on the plus strand (C>T on the coding strand, the complement: SCN4B is on the minus strand). VCF-style: chr11-118137130-G-A. GRCh37 (hg19) VCF-style: chr11-118007845-G-A.
Other names: c.192-10C>T (NM_001142348.2); c.264-10C>T (NM_001142349.2).
Identifiers: ClinVar variation 4688350 (VCV004688350.1).